The following is an entry in ClinVar:

NM_032043.3(BRIP1):c.2643G>A (p.Leu881=)

Gene: BRIP1 (BRCA1 interacting DNA helicase 1; minus strand). Cytogenetic location: 17q23.2.
Variant type: single nucleotide variant.
Coding change: c.2643G>A on transcript NM_032043.3 (MANE Select); coding-DNA position 2643, G replaced by A.
Protein change: p.Leu881=; no amino-acid change (leucine 881 retained).
Molecular consequence: synonymous variant.
Genome position (GRCh38, 1-based): chr17:61,686,098, C>T on the plus strand (G>A on the coding strand, the complement: BRIP1 is on the minus strand). VCF-style: chr17-61686098-C-T. GRCh37 (hg19) VCF-style: chr17-59763459-C-T.
Other names: NP_114432.2:p.Leu881=; c.2643G>A (NM_032043.2).
Identifiers: ClinVar variation 1559383 (VCV001559383.15), dbSNP rs2144116635, ClinGen allele CA501335948.

ClinVar aggregate classification (germline): Benign/Likely benign. Review status: criteria provided, multiple submitters, no conflicts (2 of 4 stars). 5 submissions from 5 submitters: Benign (2); Likely benign (3). Last evaluated 2024-09-18.

Conditions:
Hereditary cancer-predisposing syndrome. Also called: Neoplastic Syndromes, Hereditary; Hereditary Cancer Syndrome; Hereditary neoplastic syndrome; Tumor predisposition. Identifiers: Orphanet 140162, MedGen C0027672, MeSH D009386, MONDO:0015356.
Familial cancer of breast. Also called: hereditary breast carcinoma; BREAST CANCER, FAMILIAL; Hereditary breast cancer. Identifiers: Orphanet 227535, MedGen C0346153, MONDO:0016419, OMIM 114480. Disease mechanism: loss of function.
Hereditary breast ovarian cancer syndrome. Also called: BRCA1- and BRCA2-Associated Hereditary Breast and Ovarian Cancer; Breast and ovarian cancer; Hereditary breast and ovarian cancer syndrome; Hereditary breast and/or ovarian cancer syndrome; Hereditary breast and ovarian cancer; Hereditary breast and ovarian cancer syndrome (HBOC). Identifiers: Orphanet 145, MedGen C0677776, MeSH D061325, MONDO:0003582. Disease mechanism: loss of function.
Fanconi anemia complementation group J. Also called: BRIP1-Related Fanconi Anemia. Identifiers: Orphanet 84, MedGen C1836860, MONDO:0012187, OMIM 609054.

Submissions (5):

Labcorp Genetics (formerly Invitae), Labcorp
Classification: Likely benign for Familial cancer of breast; Fanconi anemia complementation group J. Last evaluated: 2024-09-18. Review status: criteria provided, single submitter. Criteria: Invitae Variant Classification Sherloc (09022015). Collection method: clinical testing. Allele origin: germline.

Myriad Genetics, Inc.
Classification: Benign for Familial cancer of breast. Last evaluated: 2024-09-05. Review status: criteria provided, single submitter. Criteria: Myriad Autosomal Dominant, Autosomal Recessive and X-Linked Classification Criteria (2023). Collection method: clinical testing. Allele origin: unknown.
Comment: This variant is considered benign. This variant is a silent/synonymous amino acid change and it is not expected to impact splicing.

Ambry Genetics
Classification: Likely benign for Hereditary cancer-predisposing syndrome. Last evaluated: 2022-09-03. Review status: criteria provided, single submitter. Criteria: Ambry Variant Classification Scheme 2023. Collection method: clinical testing. Allele origin: germline.

National Health Laboratory Service, Universitas Academic Hospital and University of the Free State
Classification: Benign for Hereditary breast ovarian cancer syndrome. Last evaluated: 2022-04-19. Review status: criteria provided, single submitter. Criteria: ACMG Guidelines, 2015. Collection method: clinical testing. Allele origin: germline. Affected: yes. Observed: 1 variant allele.

Color Diagnostics, LLC DBA Color Health
Classification: Likely benign for Hereditary cancer-predisposing syndrome. Last evaluated: 2022-03-01. Review status: criteria provided, single submitter. Criteria: ACMG Guidelines, 2015. Collection method: clinical testing. Allele origin: germline.